The following is an entry in ClinVar:

ClinVar aggregate classification (germline): Pathogenic (1 of 4 stars; one submission).

Conditions:
Intellectual developmental disorder with seizures and language delay (IDDSELD). Identifiers: MedGen C5436574, MONDO:0033559, OMIM 619000.

Submission:

Foundation for Research in Genetics and Endocrinology, FRIGE's Institute of Human Genetics
Classification: Pathogenic for Intellectual developmental disorder with seizures and language delay. Last evaluated: 2022-12-31. Review status: criteria provided, single submitter. Criteria: ACMG Guidelines, 2015. Collection method: clinical testing. Allele origin: germline. Inheritance: Autosomal dominant inheritance. Affected: yes. Observed: 1 heterozygote.
Comment: A heterozygous single base pair deletion in exon 3 of the SETD1B gene that results in a frameshift and premature truncation of the protein 34 amino acids downstream to codon 72 (p.Arg72GlyfsTer34) was detected. This variant has not been detected in the 1000 genomes, gnomAD and our internal databases. The in silico predictions of the variant is damaging by MutationTaster 2. The reference codon is conserved across species.. In summary, the variant meets our criteria to be classified as pathogenic.

NM_001353345.2(SETD1B):c.214del (p.Arg72fs)

Gene: SETD1B (SET domain containing 1B, histone lysine methyltransferase; plus strand). Cytogenetic location: 12q24.31.
Variant type: Deletion.
Coding change: c.214del on transcript NM_001353345.2 (MANE Select); coding-DNA position 214, one base deleted (C; older notation c.214delC).
Protein change: p.Arg72fs; shifts the reading frame from arginine 72.
Molecular consequence: frameshift variant.
Genome position (GRCh38, 1-based): chr12:121,805,157, C deleted; the last of 4 consecutive C bases (chr12:121,805,154-121,805,157); deleting any one gives the same sequence. VCF-style (leftmost placement, unchanged base first): chr12-121805153-TC-T. GRCh37 (hg19) VCF-style: chr12-122243059-TC-T.
Other names: p.Arg72GlyfsTer34; short protein forms R72fs.
Identifiers: ClinVar variation 1992426 (VCV001992426.2), dbSNP rs2500165101, ClinGen allele CA2580085905.